The following is an entry in ClinVar:

NM_005121.3(MED13):c.893C>T (p.Ser298Phe)

Gene: MED13 (mediator complex subunit 13; minus strand). Cytogenetic location: 17q23.2.
Variant type: single nucleotide variant.
Coding change: c.893C>T on transcript NM_005121.3 (MANE Select); coding-DNA position 893, C replaced by T.
Protein change: p.Ser298Phe; replaces serine 298 with phenylalanine.
Molecular consequence: missense variant.
Genome position (GRCh38, 1-based): chr17:62,031,560, G>A on the plus strand (C>T on the coding strand, the complement: MED13 is on the minus strand). VCF-style: chr17-62031560-G-A. GRCh37 (hg19) VCF-style: chr17-60108921-G-A.
Other names: short protein forms S298F.
Identifiers: ClinVar variation 1328570 (VCV001328570.2), dbSNP rs2143678589, ClinGen allele CA400785798.

ClinVar aggregate classification (germline): Uncertain significance (1 of 4 stars; one submission).

Allele frequency attached by ClinVar (database versions not stated): gnomAD exomes below 0.00001.
gnomAD v4.1: 2 of 1,613,882 alleles (0.00012%); highest among the groups gnomAD compares: Non-Finnish European, 0.00017%; no homozygotes.

Submission:

GeneDx
Classification: Uncertain significance. Last evaluated: 2021-06-15. Review status: criteria provided, single submitter. Criteria: GeneDx Variant Classification Process June 2021. Collection method: clinical testing. Allele origin: germline. Affected: yes.
Comment: Not observed at significant frequency in large population cohorts (Lek et al., 2016); In silico analysis supports that this missense variant does not alter protein structure/function; Has not been previously published as pathogenic or benign to our knowledge; This variant is associated with the following publications: (PMID: 27535533)